The following is an entry in ClinVar:

NM_000632.4(ITGAM):c.510G>A (p.Lys170=)

Gene: ITGAM (integrin subunit alpha M; plus strand). Cytogenetic location: 16p11.2.
Variant type: single nucleotide variant.
Coding change: c.510G>A on transcript NM_000632.4 (MANE Select); coding-DNA position 510, G replaced by A.
Protein change: p.Lys170=; no amino-acid change (lysine 170 retained).
Molecular consequence: synonymous variant.
Genome position (GRCh38, 1-based): chr16:31,271,036, G>A. VCF-style: chr16-31271036-G-A. GRCh37 (hg19) VCF-style: chr16-31282357-G-A.
Other names: c.510G>A, p.Lys170= (NM_001145808.2); c.510G>A (NM_000632.3).
Identifiers: ClinVar variation 1672860 (VCV001672860.10), dbSNP rs772703244, ClinGen allele CA8025249.

ClinVar aggregate classification (germline): Likely benign. Review status: criteria provided, single submitter (1 of 4 stars). 2 submissions from 2 submitters: Likely benign (1). 1 of the submissions does not count toward it. Last evaluated 2025-06-18.

Conditions:
ITGAM-related disorder. Also called: ITGAM-related condition.

Allele frequency attached by ClinVar (database versions not stated): ExAC 0.00001; gnomAD 0.00001; gnomAD exomes 0.00001 and 0.00002.
gnomAD v4.1: 30 of 1,584,420 alleles (0.0019%); highest among the groups gnomAD compares: East Asian, 0.014%; no homozygotes.

Submissions (2):

Labcorp Genetics (formerly Invitae), Labcorp
Classification: Likely benign. Last evaluated: 2025-06-18. Review status: criteria provided, single submitter. Criteria: Invitae Variant Classification Sherloc (09022015). Collection method: clinical testing. Allele origin: germline.

PreventionGenetics, part of Exact Sciences
Classification: Likely benign for ITGAM-related condition. Last evaluated: 2019-03-18. Review status: no assertion criteria provided. Collection method: clinical testing. Allele origin: germline. Not counted in ClinVar's aggregate classification.
Comment: This variant is classified as likely benign based on ACMG/AMP sequence variant interpretation guidelines (Richards et al. 2015 PMID: 25741868, with internal and published modifications).